The following is an entry in ClinVar:

NM_000489.6(ATRX):c.253A>G (p.Ile85Val)

Gene: ATRX (ATRX chromatin remodeler; minus strand). Cytogenetic location: Xq21.1.
Variant type: single nucleotide variant.
Coding change: c.253A>G on transcript NM_000489.6 (MANE Select); coding-DNA position 253, A replaced by G.
Protein change: p.Ile85Val; replaces isoleucine 85 with valine.
Molecular consequence: missense variant.
Genome position (GRCh38, 1-based): chrX:77,696,694, T>C on the plus strand (A>G on the coding strand, the complement: ATRX is on the minus strand). VCF-style: chrX-77696694-T-C. GRCh37 (hg19) VCF-style: chrX-76952182-T-C.
Other names: c.253A>G, p.Ile85Val (NM_138270.5); short protein forms I85V.
Identifiers: ClinVar variation 847727 (VCV000847727.14), dbSNP rs150801485, ClinGen allele CA10458336.

ClinVar aggregate classification (germline): Conflicting classifications of pathogenicity. Review status: criteria provided, conflicting classifications (1 of 4 stars). 2 submissions from 2 submitters: Uncertain significance (1); Likely benign (1). Last evaluated 2025-11-05.

Conditions:
Alpha thalassemia-X-linked intellectual disability syndrome (ATRX). Also called: ATR-X syndrome; Alpha thalassemia mental retardation syndrome, nondeletion type, X-linked; XLMR hypotonic face syndrome; ALPHA-THALASSEMIA/IMPAIRED INTELLECTUAL DEVELOPMENT SYNDROME, X-LINKED; ALPHA-THALASSEMIA/MENTAL RETARDATION SYNDROME, X-LINKED; ATR, NONDELETION TYPE. Identifiers: Orphanet 847, MedGen C1845055, MONDO:0010519, OMIM 301040.

Allele frequency attached by ClinVar (database versions not stated): gnomAD 0.00006 and 0.00007; TOPMed 0.00006; gnomAD exomes 0.00001 and 0.00002; ExAC 0.00001; ESP Exome Variant Server 0.00009.
gnomAD v4.1: 13 of 1,196,767 alleles (0.0011%); highest among the groups gnomAD compares: African/African-American, 0.011%; no homozygotes.

Submissions (2):

Labcorp Genetics (formerly Invitae), Labcorp
Classification: Likely benign for Alpha thalassemia-X-linked intellectual disability syndrome. Last evaluated: 2025-11-05. Review status: criteria provided, single submitter. Criteria: Invitae Variant Classification Sherloc (09022015). Collection method: clinical testing. Allele origin: germline.

Women's Health and Genetics/Laboratory Corporation of America, LabCorp
Classification: Uncertain significance. Last evaluated: 2025-03-12. Review status: criteria provided, single submitter. Criteria: LabCorp Variant Classification Summary - May 2015. Collection method: clinical testing. Allele origin: germline.
Comment: Variant summary: ATRX c.253A>G (p.Ile85Val) results in a conservative amino acid change in the encoded protein sequence. Three of four in-silico tools predict a benign effect of the variant on protein function. The variant allele was found at a frequency of 1.7e-05 in 180226 control chromosomes. The available data on variant occurrences in the general population are insufficient to allow any conclusion about variant significance. To our knowledge, no occurrence of c.253A>G in individuals affected with ATR-X Syndrome and no experimental evidence demonstrating its impact on protein function have been reported. ClinVar contains an entry for this variant (Variation ID: 847727). Based on the evidence outlined above, the variant was classified as uncertain significance.